The following is an entry in ClinVar:

NM_006734.4(HIVEP2):c.2925del (p.His975fs)

Gene: HIVEP2 (HIVEP zinc finger 2; minus strand). Cytogenetic location: 6q24.2.
Variant type: Deletion.
Coding change: c.2925del on transcript NM_006734.4 (MANE Select); coding-DNA position 2925, one base deleted (C; older notation c.2925delC).
Protein change: p.His975fs; shifts the reading frame from histidine 975.
Molecular consequence: frameshift variant.
Genome position (GRCh38, 1-based): chr6:142,771,814, G deleted on the plus strand (C on the coding strand, the reverse complement: HIVEP2 is on the minus strand). VCF-style (leftmost placement, unchanged base first): chr6-142771813-TG-T. GRCh37 (hg19) VCF-style: chr6-143092950-TG-T.
Other names: short protein forms H975fs.
Identifiers: ClinVar variation 2584456 (VCV002584456.1), dbSNP rs2482835597, ClinGen allele CA2582341711.

ClinVar aggregate classification (germline): Likely pathogenic (1 of 4 stars; one submission).

Conditions:
Intellectual developmental disorder, autosomal dominant 43. Also called: Intellectual disability, autosomal dominant 43. Identifiers: MedGen C4707429, MONDO:0014858, OMIM 616977.

Submission:

Rady Children's Institute for Genomic Medicine, Rady Children's Hospital San Diego
Classification: Likely pathogenic for Intellectual developmental disorder, autosomal dominant 43. Review status: criteria provided, single submitter. Criteria: ACMG Guidelines, 2015. Collection method: clinical testing. Allele origin: germline. Affected: yes.
Comment: This frameshifting variant in exon 5 of 10 is predicted to result in loss of normal protein function through either protein truncation or nonsense-mediated mRNA decay. This variant has not been previously reported or functionally characterized in the literature to our knowledge. It is absent from the gnomAD population database and thus presumed to be rare. Based on the available evidence, c.2925del (p.His975GlnfsTer33) is classified as Likely Pathogenic.